The following is an entry in ClinVar:

NM_000393.5(COL5A2):c.1159-1G>A

Gene: COL5A2 (collagen type V alpha 2 chain; minus strand). Cytogenetic location: 2q32.2.
Variant type: single nucleotide variant.
Coding change: c.1159-1G>A on transcript NM_000393.5 (MANE Select); the canonical splice acceptor site of the intron before coding-DNA position 1159, G replaced by A.
Molecular consequence: splice acceptor variant.
Genome position (GRCh38, 1-based): chr2:189,068,885, C>T on the plus strand (G>A on the coding strand, the complement: COL5A2 is on the minus strand). VCF-style: chr2-189068885-C-T. GRCh37 (hg19) VCF-style: chr2-189933611-C-T.
Identifiers: ClinVar variation 2439422 (VCV002439422.6), dbSNP rs2469314500, ClinGen allele CA349853935.
Genomic context (GRCh38, chr2:189,068,885, plus strand): 5'-TTCACCTCTCTGCCCCTGAGGACCTTCAGGGCCTCGCGCCCCTGTAGGACCTGCTTCTCC[C>T]TAAAAGGGTGCAAAGGGAAATGTTAATTTAAGAAAAATACGAGAGTGGCATTGTACAAAG-3'

ClinVar aggregate classification (germline): Likely pathogenic. Review status: criteria provided, multiple submitters, no conflicts (2 of 4 stars). 2 submissions from 2 submitters: Likely pathogenic (2). Last evaluated 2023-02-24.

Conditions:
Ehlers-Danlos syndrome, classic type, 2 (EDSCL2). Also called: Ehlers-Danlos syndrome, type 2; Ehlers-Danlos syndrome type 2 (formerly); Ehlers-Danlos Syndrome, Classic Type, COL5A2-Related. Identifiers: Orphanet 287, Orphanet 90318, MedGen C0268336, MONDO:0019568, OMIM 130010.
Ehlers-Danlos syndrome, classic type, 1 (EDSCL1). Also called: EDS I; EHLERS-DANLOS SYNDROME, GRAVIS TYPE; EHLERS-DANLOS SYNDROME, SEVERE CLASSIC TYPE; Ehlers-Danlos syndrome, type 1; Ehlers-Danlos Syndrome, Classic Type, COL5A1-Related. Identifiers: MedGen C0268335, MONDO:0019567, OMIM 130000.

Submissions (2):

Labcorp Genetics (formerly Invitae), Labcorp
Classification: Likely pathogenic for Ehlers-Danlos syndrome, classic type, 1. Last evaluated: 2023-02-24. Review status: criteria provided, single submitter. Criteria: Invitae Variant Classification Sherloc (09022015). Collection method: clinical testing. Allele origin: germline.
Comment: In summary, the currently available evidence indicates that the variant is pathogenic, but additional data are needed to prove that conclusively. Therefore, this variant has been classified as Likely Pathogenic. Algorithms developed to predict the effect of sequence changes on RNA splicing suggest that this variant may disrupt the consensus splice site. This variant has not been reported in the literature in individuals affected with COL5A2-related conditions. This variant is not present in population databases (gnomAD no frequency). This sequence change affects an acceptor splice site in intron 18 of the COL5A2 gene. It is expected to disrupt RNA splicing. Variants that disrupt the donor or acceptor splice site typically lead to a loss of protein function (PMID: 16199547), and loss-of-function variants in COL5A2 are known to be pathogenic (PMID: 23587214).

Revvity Omics, Revvity
Classification: Likely pathogenic for Ehlers-Danlos syndrome, classic type, 2. Last evaluated: 2022-12-16. Review status: criteria provided, single submitter. Criteria: ACMG Guidelines, 2015. Collection method: clinical testing. Allele origin: germline.

Literature cited by the submitters: PubMed 16199547 (cited by Labcorp Genetics (formerly Invitae), Labcorp); PubMed 23587214 (cited by Labcorp Genetics (formerly Invitae), Labcorp).